The following is an entry in ClinVar:

ClinVar aggregate classification (germline): Uncertain significance (1 of 4 stars; one submission).

Conditions:
Microcephaly-intellectual disability-sensorineural hearing loss-epilepsy-abnormal muscle tone syndrome (NEDHSB). Also called: NEURODEVELOPMENTAL DISORDER WITH HEARING LOSS, SEIZURES, AND BRAIN ABNORMALITIES. Identifiers: Orphanet 457351, MedGen C4225276, MONDO:0014698, OMIM 616577.

Submission:

Labcorp Genetics (formerly Invitae), Labcorp
Classification: Uncertain significance for Microcephaly-intellectual disability-sensorineural hearing loss-epilepsy-abnormal muscle tone syndrome. Last evaluated: 2022-08-02. Review status: criteria provided, single submitter. Criteria: Invitae Variant Classification Sherloc (09022015). Collection method: clinical testing. Allele origin: germline.
Comment: This variant is not present in population databases (gnomAD no frequency). In summary, the available evidence is currently insufficient to determine the role of this variant in disease. Therefore, it has been classified as a Variant of Uncertain Significance. Algorithms developed to predict the effect of missense changes on protein structure and function output the following: SIFT: "Deleterious"; PolyPhen-2: "Benign"; Align-GVGD: "Class C0". The glutamic acid amino acid residue is found in multiple mammalian species, which suggests that this missense change does not adversely affect protein function. This variant has not been reported in the literature in individuals affected with SPATA5-related conditions. This sequence change replaces glycine, which is neutral and non-polar, with glutamic acid, which is acidic and polar, at codon 280 of the SPATA5 protein (p.Gly280Glu).

NM_145207.3(AFG2A):c.839G>A (p.Gly280Glu)

Gene: AFG2A (AAA ATPase AFG2A; plus strand). Cytogenetic location: 4q28.1.
Variant type: single nucleotide variant.
Coding change: c.839G>A on transcript NM_145207.3 (MANE Select); coding-DNA position 839, G replaced by A.
Protein change: p.Gly280Glu; replaces glycine 280 with glutamic acid.
Molecular consequence: missense variant.
Genome position (GRCh38, 1-based): chr4:122,934,430, G>A. VCF-style: chr4-122934430-G-A. GRCh37 (hg19) VCF-style: chr4-123855585-G-A.
Other names: c.836G>A, p.Gly279Glu (NM_001317799.2, NM_001345856.2); short protein forms G279E, G280E.
Identifiers: ClinVar variation 2179719 (VCV002179719.3), dbSNP rs1217362917, ClinGen allele CA358102160.
Genomic context (GRCh38, chr4:122,934,430, plus strand): 5'-TTACAAATAAAGCCAGTGATGTTTTGCTGGATGTTACACAGAGCCCTGGAGATGGCAGTG[G>A]ACTTATGCTAGAGGAAGTCACAGGTCTTAAATGTAATTTTGAATCTGCCAGAGAAGGAAA-3'
Protein context (NP_660208.2, residues 270-290): DVTQSPGDGS[Gly280Glu]LMLEEVTGLK